The following is an entry in ClinVar:

NM_000081.4(LYST):c.5635-3T>C

Gene: LYST (lysosomal trafficking regulator; minus strand). Cytogenetic location: 1q42.3.
Variant type: single nucleotide variant.
Coding change: c.5635-3T>C on transcript NM_000081.4 (MANE Select); 3 bases into the intron before coding-DNA position 5635, T replaced by C.
Molecular consequence: intron variant.
Genome position (GRCh38, 1-based): chr1:235,773,994, A>G on the plus strand (T>C on the coding strand, the complement: LYST is on the minus strand). VCF-style: chr1-235773994-A-G. GRCh37 (hg19) VCF-style: chr1-235937294-A-G.
Other names: p.?; c.5635-3T>C (NM_001301365.1).
Identifiers: ClinVar variation 4684292 (VCV004684292.2).

ClinVar aggregate classification (germline): Likely benign. Review status: criteria provided, multiple submitters, no conflicts (2 of 4 stars). 2 submissions from 2 submitters: Likely benign (2). Last evaluated 2025-06-10.

gnomAD v4.1: 29 of 1,594,042 alleles (0.0018%); highest among the groups gnomAD compares: Non-Finnish European, 0.0024%; no homozygotes.

Submissions (2):

Mayo Clinic Laboratories, Mayo Clinic
Classification: Likely benign. Last evaluated: 2025-06-10. Review status: criteria provided, single submitter. Criteria: ACMG Guidelines, 2015. Collection method: clinical testing. Allele origin: germline. Observed: 1 variant allele.
Comment: BP4, BP7, PM2_supporting

Blueprint Genetics
Classification: Likely benign. Last evaluated: 2023-08-03. Review status: criteria provided, single submitter. Criteria: ACMG Guidelines, 2015. Collection method: clinical testing. Allele origin: germline.